The following is an entry in ClinVar:

NM_144997.7(FLCN):c.871+27C>A

Gene: FLCN (folliculin; minus strand). Cytogenetic location: 17p11.2.
Variant type: single nucleotide variant.
Coding change: c.871+27C>A on transcript NM_144997.7 (MANE Select); 27 bases into the intron after coding-DNA position 871, C replaced by A.
Molecular consequence: intron variant. On other transcripts: missense variant (1).
Genome position (GRCh38, 1-based): chr17:17,221,510, G>T on the plus strand (C>A on the coding strand, the complement: FLCN is on the minus strand). VCF-style: chr17-17221510-G-T. GRCh37 (hg19) VCF-style: chr17-17124824-G-T.
Other names: c.898C>A, p.Pro300Thr (NM_144606.7); c.871+27C>A (NM_001353231.2, NM_001353230.2); c.925+27C>A (NM_001353229.2); short protein forms P300T.
Identifiers: ClinVar variation 4883328 (VCV004883328.2).

ClinVar aggregate classification (germline): Uncertain significance (1 of 4 stars; one submission).

Submission:

Dasa
Classification: Uncertain significance. Last evaluated: 2026-03-16. Review status: criteria provided, single submitter. Criteria: DASA Assertion Criteria. Collection method: clinical testing. Allele origin: germline.
Comment: NM_144606.7(FLCN):c.898C>A (p.Pro300Thr) is a missense variant that results in the substitution of proline with threonine. This variant is absent from population databases. Computational prediction algorithms are consistent with a benign effect. The currently available literature and clinical evidence are not sufficient to establish a definitive association between this variant and the reported condition. Therefore, this variant is classified as a variant of uncertain significance.